The following is an entry in ClinVar:

NM_206933.4(USH2A):c.1581C>A (p.Cys527Ter)

Gene: USH2A (usherin; minus strand). Cytogenetic location: 1q41.
Variant type: single nucleotide variant.
Coding change: c.1581C>A on transcript NM_206933.4 (MANE Select); coding-DNA position 1581, C replaced by A.
Protein change: p.Cys527Ter; replaces cysteine 527 with a stop codon.
Molecular consequence: nonsense.
Genome position (GRCh38, 1-based): chr1:216,321,946, G>T on the plus strand (C>A on the coding strand, the complement: USH2A is on the minus strand). VCF-style: chr1-216321946-G-T. GRCh37 (hg19) VCF-style: chr1-216495288-G-T.
Other names: c.1581C>A, p.Cys527Ter (NM_007123.6); short protein forms C527*.
Identifiers: ClinVar variation 5015816 (VCV005015816.1).

ClinVar aggregate classification (germline): Pathogenic (1 of 4 stars; one submission).

Conditions:
USH2A-related disorder. Also called: USH2A-related condition; USH2A-related disorders. Identifiers: MedGen CN239332.

gnomAD v4.1: 1 of 1,613,768 alleles (0.000062%); highest among the groups gnomAD compares: African/African-American, 0.0013%; no homozygotes.

Submission:

Myriad Genetics, Inc.
Classification: Pathogenic for USH2A-related disorder. Last evaluated: 2026-04-21. Review status: criteria provided, single submitter. Criteria: Myriad Autosomal Dominant, Autosomal Recessive and X-Linked Classification Criteria (2023). Collection method: clinical testing. Allele origin: unknown.
Comment: NM_206933.2(USH2A):c.1581C>A(C527*) is expected to be pathogenic in the context of USH2A-related disorders. This variant is predicted to lead to an abnormal or absent protein product due to the creation of a premature termination codon in USH2A, a gene where loss-of-function variants are known to be pathogenic. Please note: this variant was assessed in the context of healthy population screening.